The following is an entry in ClinVar:

NM_021831.6(AGBL5):c.1912C>T (p.Arg638Trp)

Gene: AGBL5 (AGBL carboxypeptidase 5; plus strand). Cytogenetic location: 2p23.3.
Variant type: single nucleotide variant.
Coding change: c.1912C>T on transcript NM_021831.6 (MANE Select); coding-DNA position 1912, C replaced by T.
Protein change: p.Arg638Trp; replaces arginine 638 with tryptophan.
Molecular consequence: missense variant. On other transcripts: non-coding transcript variant (2).
Genome position (GRCh38, 1-based): chr2:27,059,227, C>T. VCF-style: chr2-27059227-C-T. GRCh37 (hg19) VCF-style: chr2-27282095-C-T.
Other names: c.1912C>T, p.Arg638Trp (NM_001035507.3); short protein forms R638W.
Identifiers: ClinVar variation 1412977 (VCV001412977.8), dbSNP rs775595367, ClinGen allele CA1568009.

ClinVar aggregate classification (germline): Uncertain significance. Review status: criteria provided, multiple submitters, no conflicts (2 of 4 stars). 2 submissions from 2 submitters: Uncertain significance (2). Last evaluated 2024-06-28.

Allele frequency attached by ClinVar (database versions not stated): gnomAD 0.00001; TOPMed 0.00001; ExAC 0.00002; gnomAD exomes 0.00002.
gnomAD v4.1: 52 of 1,613,850 alleles (0.0032%); highest among the groups gnomAD compares: East Asian, 0.0067%; no homozygotes.

Submissions (2):

Blueprint Genetics
Classification: Uncertain significance. Last evaluated: 2024-06-28. Review status: criteria provided, single submitter. Criteria: ACMG Guidelines, 2015. Collection method: clinical testing. Allele origin: germline.

Labcorp Genetics (formerly Invitae), Labcorp
Classification: Uncertain significance. Last evaluated: 2021-04-16. Review status: criteria provided, single submitter. Criteria: Invitae Variant Classification Sherloc (09022015). Collection method: clinical testing. Allele origin: germline.
Comment: Algorithms developed to predict the effect of missense changes on protein structure and function are either unavailable or do not agree on the potential impact of this missense change (SIFT: "Deleterious"; PolyPhen-2: "Probably Damaging"; Align-GVGD: "Class C0"). This sequence change replaces arginine with tryptophan at codon 638 of the AGBL5 protein (p.Arg638Trp). The arginine residue is highly conserved and there is a moderate physicochemical difference between arginine and tryptophan. This variant is present in population databases (rs775595367, ExAC 0.02%). This variant has not been reported in the literature in individuals with AGBL5-related conditions. In summary, the available evidence is currently insufficient to determine the role of this variant in disease. Therefore, it has been classified as a Variant of Uncertain Significance.